The following is an entry in ClinVar:

NM_000379.4(XDH):c.3018T>C (p.Phe1006=)

Gene: XDH (xanthine dehydrogenase; minus strand). Cytogenetic location: 2p23.1.
Variant type: single nucleotide variant.
Coding change: c.3018T>C on transcript NM_000379.4 (MANE Select); coding-DNA position 3018, T replaced by C.
Protein change: p.Phe1006=; no amino-acid change (phenylalanine 1006 retained).
Molecular consequence: synonymous variant.
Genome position (GRCh38, 1-based): chr2:31,348,932, A>G on the plus strand (T>C on the coding strand, the complement: XDH is on the minus strand). VCF-style: chr2-31348932-A-G. GRCh37 (hg19) VCF-style: chr2-31571798-A-G.
Identifiers: ClinVar variation 711191 (VCV000711191.18), dbSNP rs144883930, ClinGen allele CA1598592.
Genomic context (GRCh38, chr2:31,348,932, plus strand): 5'-ATGGACACAATTCTATAAAGCAATTACCTGATTCAGAAAAGGAACTGTAAAGCTTATTCC[A>G]AACTTGGTGGGAATTATGCACAATCCTCTCTTTTTCCAACAATTCTCCCTAGAGAAAAAG-3'
Protein context (NP_000370.2, residues 996-1016): KRGLCIIPTK[Phe1006=]GISFTVPFLN

ClinVar aggregate classification (germline): Conflicting classifications of pathogenicity. Review status: criteria provided, conflicting classifications (1 of 4 stars). 5 submissions from 5 submitters: Uncertain significance (1); Likely benign (3). 1 of the submissions does not count toward it. Last evaluated 2025-12-01.

Conditions:
XDH-related disorder. Also called: XDH-related condition.
Hereditary xanthinuria type 1 (XAN1). Identifiers: Orphanet 3467, Orphanet 93601, MedGen C0268118, MONDO:0010209, OMIM 278300.
Xanthinuria type II. Also called: Xanthine dehydrogenase and aldehyde oxidase combined deficiency of; XDH and AOX dual deficiency. Identifiers: Orphanet 3467, Orphanet 93602, MedGen C1863688, MONDO:0011346, OMIM 603592.

Allele frequency attached by ClinVar (database versions not stated): ESP Exome Variant Server 0.00046; TOPMed 0.00047; gnomAD 0.00067 and 0.00063; ExAC 0.00069; gnomAD exomes 0.00056 and 0.00064.
gnomAD v4.1: 1,019 of 1,613,592 alleles (0.063%); highest among the groups gnomAD compares: Non-Finnish European, 0.076%; no homozygotes.

Submissions (5):

Labcorp Genetics (formerly Invitae), Labcorp
Classification: Likely benign for Xanthinuria type II. Last evaluated: 2025-12-01. Review status: criteria provided, single submitter. Criteria: Invitae Variant Classification Sherloc (09022015). Collection method: clinical testing. Allele origin: germline.

Laboratory of Genetics, Children's Clinical University Hospital Latvia
Classification: Likely benign. Last evaluated: 2025-02-16. Review status: criteria provided, single submitter. Criteria: ACMG Guidelines, 2015. Collection method: clinical testing. Allele origin: germline. Affected: yes.

Blueprint Genetics
Classification: Likely benign. Last evaluated: 2024-11-22. Review status: criteria provided, single submitter. Criteria: ACMG Guidelines, 2015. Collection method: clinical testing. Allele origin: germline.

Illumina Laboratory Services, Illumina
Classification: Uncertain significance for Hereditary xanthinuria type 1. Last evaluated: 2018-01-13. Review status: criteria provided, single submitter. Criteria: ICSL Variant Classification Criteria 13 December 2019. Collection method: clinical testing. Allele origin: germline.

PreventionGenetics, part of Exact Sciences
Classification: Likely benign for XDH-related condition. Last evaluated: 2019-07-22. Review status: no assertion criteria provided. Collection method: clinical testing. Allele origin: germline. Not counted in ClinVar's aggregate classification.
Comment: This variant is classified as likely benign based on ACMG/AMP sequence variant interpretation guidelines (Richards et al. 2015 PMID: 25741868, with internal and published modifications).